The following is an entry in ClinVar:

NM_152618.3(BBS12):c.110A>G (p.Lys37Arg)

Gene: BBS12 (Bardet-Biedl syndrome 12; plus strand). Cytogenetic location: 4q27.
Variant type: single nucleotide variant.
Coding change: c.110A>G on transcript NM_152618.3 (MANE Select); coding-DNA position 110, A replaced by G.
Protein change: p.Lys37Arg; replaces lysine 37 with arginine.
Molecular consequence: missense variant.
Genome position (GRCh38, 1-based): chr4:122,742,002, A>G. VCF-style: chr4-122742002-A-G. GRCh37 (hg19) VCF-style: chr4-123663157-A-G.
Other names: c.110A>G, p.Lys37Arg (NM_001178007.2); c.110A>G (NM_152618.2); short protein forms K37R.
Identifiers: ClinVar variation 1904309 (VCV001904309.4), dbSNP rs772431600, ClinGen allele CA3069246.

ClinVar aggregate classification (germline): Uncertain significance. Review status: criteria provided, multiple submitters, no conflicts (2 of 4 stars). 3 submissions from 3 submitters: Uncertain significance (3). Last evaluated 2026-09-22.

Conditions:
BBS12-related disorder. Also called: BBS12-related condition.
Bardet-Biedl syndrome (BBS). Identifiers: Orphanet 110, MedGen C0752166, MONDO:0015229.

Allele frequency attached by ClinVar (database versions not stated): ExAC 0.00001; gnomAD 0.00001; TOPMed 0.00001.
gnomAD v4.1: 6 of 1,613,232 alleles (0.00037%); highest among the groups gnomAD compares: South Asian, 0.0022%; no homozygotes.

Submissions (3):

PreventionGenetics, part of Exact Sciences
Classification: Uncertain significance for BBS12-related condition. Last evaluated: 2026-09-22. Review status: criteria provided, single submitter. Criteria: ACMG Guidelines, 2015. Collection method: clinical testing. Allele origin: germline.
Comment: The BBS12 c.110A>G variant is predicted to result in the amino acid substitution p.Lys37Arg. To our knowledge, this variant has not been reported in the literature. This variant is reported in 0.0033% of alleles in individuals of South Asian descent in gnomAD. At this time, the clinical significance of this variant is uncertain due to the absence of conclusive functional and genetic evidence.

Labcorp Genetics (formerly Invitae), Labcorp
Classification: Uncertain significance for Bardet-Biedl syndrome. Last evaluated: 2022-10-24. Review status: criteria provided, single submitter. Criteria: Invitae Variant Classification Sherloc (09022015). Collection method: clinical testing. Allele origin: germline.
Comment: This sequence change replaces lysine, which is basic and polar, with arginine, which is basic and polar, at codon 37 of the BBS12 protein (p.Lys37Arg). This variant is present in population databases (rs772431600, gnomAD 0.003%). This variant has not been reported in the literature in individuals affected with BBS12-related conditions. Advanced modeling of protein sequence and biophysical properties (such as structural, functional, and spatial information, amino acid conservation, physicochemical variation, residue mobility, and thermodynamic stability) performed at Invitae indicates that this missense variant is expected to disrupt BBS12 protein function. In summary, the available evidence is currently insufficient to determine the role of this variant in disease. Therefore, it has been classified as a Variant of Uncertain Significance.

Blueprint Genetics
Classification: Uncertain significance. Last evaluated: 2021-12-09. Review status: criteria provided, single submitter. Criteria: ACMG Guidelines, 2015. Collection method: clinical testing. Allele origin: germline.